The following is an entry in ClinVar:

ClinVar aggregate classification (germline): Uncertain significance. Review status: criteria provided, multiple submitters, no conflicts (2 of 4 stars). 4 submissions from 3 submitters: Uncertain significance (4). Last evaluated 2025-12-22.

Conditions:
Adams-Oliver syndrome 5 (AOS5). Identifiers: Orphanet 974, MedGen C4014970, MONDO:0014459, OMIM 616028.
Aortic valve disease 1 (AOVD1). Identifiers: MedGen C3887892, MONDO:0024523, OMIM 109730.

Allele frequency attached by ClinVar (database versions not stated): TOPMed 0.00002.
gnomAD v4.1: 32 of 1,612,858 alleles (0.002%); highest among the groups gnomAD compares: Non-Finnish European, 0.0027%; no homozygotes.

Submissions (4):

Labcorp Genetics (formerly Invitae), Labcorp
Classification: Uncertain significance for Adams-Oliver syndrome 5. Last evaluated: 2025-12-22. Review status: criteria provided, single submitter. Criteria: Invitae Variant Classification Sherloc (09022015). Collection method: clinical testing. Allele origin: germline.
Comment: This sequence change replaces glycine, which is neutral and non-polar, with arginine, which is basic and polar, at codon 1088 of the NOTCH1 protein (p.Gly1088Arg). This variant is present in population databases (rs531420022, gnomAD 0.002%). This variant has not been reported in the literature in individuals affected with NOTCH1-related conditions. ClinVar contains an entry for this variant (Variation ID: 546117). Invitae Evidence Modeling of protein sequence and biophysical properties (such as structural, functional, and spatial information, amino acid conservation, physicochemical variation, residue mobility, and thermodynamic stability) has been performed for this missense variant. However, the output from this modeling did not meet the statistical confidence thresholds required to predict the impact of this variant on NOTCH1 protein function. In summary, the available evidence is currently insufficient to determine the role of this variant in disease. Therefore, it has been classified as a Variant of Uncertain Significance.

GeneDx
Classification: Uncertain significance. Last evaluated: 2023-06-29. Review status: criteria provided, single submitter. Criteria: GeneDx Variant Classification Process June 2021. Collection method: clinical testing. Allele origin: germline. Affected: yes.
Comment: Has not been previously published as pathogenic or benign to our knowledge; Not observed at significant frequency in large population cohorts (gnomAD); In silico analysis supports that this missense variant has a deleterious effect on protein structure/function

Genome-Nilou Lab
Classification: Uncertain significance for Adams-Oliver syndrome 5. Last evaluated: 2022-03-15. Review status: criteria provided, single submitter. Criteria: ACMG Guidelines, 2015. Collection method: clinical testing. Allele origin: germline. Affected: no.

Genome-Nilou Lab
Classification: Uncertain significance for Aortic valve disease 1. Last evaluated: 2022-03-15. Review status: criteria provided, single submitter. Criteria: ACMG Guidelines, 2015. Collection method: clinical testing. Allele origin: germline. Affected: no.

NM_017617.5(NOTCH1):c.3262G>C (p.Gly1088Arg)

Gene: NOTCH1 (notch receptor 1; minus strand). Cytogenetic location: 9q34.3.
Variant type: single nucleotide variant.
Coding change: c.3262G>C on transcript NM_017617.5 (MANE Select); coding-DNA position 3262, G replaced by C.
Protein change: p.Gly1088Arg; replaces glycine 1088 with arginine.
Molecular consequence: missense variant.
Genome position (GRCh38, 1-based): chr9:136,508,295, C>G on the plus strand (G>C on the coding strand, the complement: NOTCH1 is on the minus strand). VCF-style: chr9-136508295-C-G. GRCh37 (hg19) VCF-style: chr9-139402747-C-G.
Other names: c.3262G>C, p.Gly1088Arg (LRG_1122t1); short protein forms G1088R.
Identifiers: ClinVar variation 546117 (VCV000546117.11), dbSNP rs531420022, ClinGen allele CA5341003.